The following is an entry in ClinVar:

ClinVar aggregate classification (germline): Uncertain significance (1 of 4 stars; one submission).

Submission:

Labcorp Genetics (formerly Invitae), Labcorp
Classification: Uncertain significance. Last evaluated: 2025-09-02. Review status: criteria provided, single submitter. Criteria: Invitae Variant Classification Sherloc (09022015). Collection method: clinical testing. Allele origin: germline.
Comment: This sequence change falls in intron 1 of the LEMD3 gene. It does not directly change the encoded amino acid sequence of the LEMD3 protein. This variant is not present in population databases (gnomAD no frequency). This variant has not been reported in the literature in individuals affected with LEMD3-related conditions. Algorithms developed to predict the effect of sequence changes on RNA splicing suggest that this variant may disrupt the consensus splice site. In summary, the available evidence is currently insufficient to determine the role of this variant in disease. Therefore, it has been classified as a Variant of Uncertain Significance.

NM_014319.5(LEMD3):c.1522+7A>G

Gene: LEMD3 (LEM domain containing 3; plus strand). Cytogenetic location: 12q14.3.
Variant type: single nucleotide variant.
Coding change: c.1522+7A>G on transcript NM_014319.5 (MANE Select); 7 bases into the intron after coding-DNA position 1522, A replaced by G.
Molecular consequence: intron variant.
Genome position (GRCh38, 1-based): chr12:65,171,125, A>G. VCF-style: chr12-65171125-A-G. GRCh37 (hg19) VCF-style: chr12-65564905-A-G.
Other names: c.1522+7A>G (NM_001167614.2).
Identifiers: ClinVar variation 4726164 (VCV004726164.1).
Genomic context (GRCh38, chr12:65,171,125, plus strand): 5'-TGACTTACCTAGGAATGAGAGGGACAGGAGTATCTGAGGATGGAGAACTCAGCAGTAAGT[A>G]TTAAATCCTGTGGGTAAGGTAACAAAGAGAATGTTGTTAGTGGTCCGCTTTAGCCGCGCT-3'